The following is an entry in ClinVar:

NM_000257.4(MYH7):c.4556G>T (p.Ser1519Ile)

Genes: MHRT (myosin heavy chain associated RNA transcript; plus strand), MYH7 (myosin heavy chain 7; minus strand). Cytogenetic location: 14q11.2.
Variant type: single nucleotide variant.
Coding change: c.4556G>T on transcript NM_000257.4 (MANE Select); coding-DNA position 4556, G replaced by T.
Protein change: p.Ser1519Ile; replaces serine 1519 with isoleucine.
Molecular consequence: missense variant. On other transcripts: non-coding transcript variant (1).
Genome position (GRCh38, 1-based): chr14:23,416,956, C>A on the plus strand (G>T on the coding strand, the complement: MYH7 is on the minus strand). VCF-style: chr14-23416956-C-A. GRCh37 (hg19) VCF-style: chr14-23886165-C-A.
Other names: c.4556G>T, p.Ser1519Ile (NM_001407004.1); short protein forms S1519I.
Identifiers: ClinVar variation 4757276 (VCV004757276.1).

ClinVar aggregate classification (germline): Uncertain significance (1 of 4 stars; one submission).

Conditions:
Cardiomyopathy (CMYO). Also called: Cardiomyopathies. Identifiers: Orphanet 167848, MedGen C0878544, MONDO:0004994, HP:0001638. Inheritance: Various modes of inheritance.

gnomAD v4.1: 1 of 1,614,260 alleles (0.000062%); highest among the groups gnomAD compares: Non-Finnish European, 0.000085%; no homozygotes.

Submission:

Color Diagnostics, LLC DBA Color Health
Classification: Uncertain significance for Cardiomyopathy. Last evaluated: 2025-06-17. Review status: criteria provided, single submitter. Criteria: ACMG Guidelines, 2015. Collection method: clinical testing. Allele origin: germline.
Comment: This missense variant replaces serine with isoleucine at codon 1519 of the MYH7 protein. Computational prediction suggests that this variant may not impact protein structure and function. To our knowledge, functional studies have not been reported for this variant. This variant has not been reported in individuals affected with MYH7-related disorders in the literature. This variant has not been identified in the general population by the Genome Aggregation Database (gnomAD). The available evidence is insufficient to determine the role of this variant in disease conclusively. Therefore, this variant is classified as a Variant of Uncertain Significance.